The following is an entry in ClinVar:

ClinVar aggregate classification (germline): Pathogenic (1 of 4 stars; one submission).

Submission:

GeneDx
Classification: Pathogenic. Last evaluated: 2025-02-13. Review status: criteria provided, single submitter. Criteria: GeneDx Variant Classification Process June 2021. Collection method: clinical testing. Allele origin: germline. Affected: yes.
Comment: Nonsense variant predicted to result in protein truncation or nonsense mediated decay in a gene for which loss of function is a known mechanism of disease; Not observed at significant frequency in large population cohorts (gnomAD); Has not been previously published as pathogenic or benign to our knowledge

NM_014991.6(WDFY3):c.1702C>T (p.Arg568Ter)

Gene: WDFY3 (WD repeat and FYVE domain containing 3; minus strand). Cytogenetic location: 4q21.23.
Variant type: single nucleotide variant.
Coding change: c.1702C>T on transcript NM_014991.6 (MANE Select); coding-DNA position 1702, C replaced by T.
Protein change: p.Arg568Ter; replaces arginine 568 with a stop codon.
Molecular consequence: nonsense.
Genome position (GRCh38, 1-based): chr4:84,817,577, G>A on the plus strand (C>T on the coding strand, the complement: WDFY3 is on the minus strand). VCF-style: chr4-84817577-G-A. GRCh37 (hg19) VCF-style: chr4-85738730-G-A.
Other names: short protein forms R568*.
Identifiers: ClinVar variation 4075483 (VCV004075483.1).